The following is an entry in ClinVar:

ClinVar aggregate classification (germline): Conflicting classifications of pathogenicity. Review status: criteria provided, conflicting classifications (1 of 4 stars). 3 submissions from 3 submitters: Uncertain significance (1); Likely benign (2). Last evaluated 2025-08-15.

Conditions:
Idiopathic generalized epilepsy. Also called: Generalised epilepsy; EIG. Identifiers: MedGen C0270850, MONDO:0005579, OMIM 600669.
Hyperaldosteronism, familial, type IV (HALD4). Also called: FH IV; ALDOSTERONISM, PRIMARY, AND HYPERTENSION. Identifiers: Orphanet 642671, MedGen C4310756, MONDO:0014875, OMIM 617027.

Allele frequency attached by ClinVar (database versions not stated): gnomAD 0.00006 and 0.00010; gnomAD exomes 0.00007 and 0.00029; TOPMed 0.00013; ExAC 0.00029; 1000 Genomes Project 0.00040; 1000 Genomes Project 30x 0.00062.
gnomAD v4.1: 108 of 1,600,820 alleles (0.0067%); highest among the groups gnomAD compares: East Asian, 0.24%; 1 homozygote.

Submissions (3):

Labcorp Genetics (formerly Invitae), Labcorp
Classification: Likely benign for Idiopathic generalized epilepsy; Hyperaldosteronism, familial, type IV. Last evaluated: 2025-08-15. Review status: criteria provided, single submitter. Criteria: Invitae Variant Classification Sherloc (09022015). Collection method: clinical testing. Allele origin: germline.

GeneDx
Classification: Uncertain significance. Last evaluated: 2025-05-08. Review status: criteria provided, single submitter. Criteria: GeneDx Variant Classification Process June 2021. Collection method: clinical testing. Allele origin: germline. Affected: yes.
Comment: In silico analysis supports that this missense variant has a deleterious effect on protein structure/function; This variant is associated with the following publications: (PMID: 34098317, 37593999)

Blueprint Genetics
Classification: Likely benign. Last evaluated: 2021-04-17. Review status: criteria provided, single submitter. Criteria: ACMG Guidelines, 2015. Collection method: clinical testing. Allele origin: germline.

NM_021098.3(CACNA1H):c.4045G>A (p.Ala1349Thr)

Gene: CACNA1H (calcium voltage-gated channel subunit alpha1 H; plus strand). Cytogenetic location: 16p13.3.
Variant type: single nucleotide variant.
Coding change: c.4045G>A on transcript NM_021098.3 (MANE Select); coding-DNA position 4045, G replaced by A.
Protein change: p.Ala1349Thr; replaces alanine 1349 with threonine.
Molecular consequence: missense variant.
Genome position (GRCh38, 1-based): chr16:1,210,793, G>A. VCF-style: chr16-1210793-G-A. GRCh37 (hg19) VCF-style: chr16-1260793-G-A.
Other names: c.4045G>A, p.Ala1349Thr (NM_001005407.2); short protein forms A1349T.
Identifiers: ClinVar variation 529637 (VCV000529637.12), dbSNP rs200400235, ClinGen allele CA7801130.